The following is an entry in ClinVar:

ClinVar aggregate classification (germline): Uncertain significance. Review status: criteria provided, multiple submitters, no conflicts (2 of 4 stars). 2 submissions from 2 submitters: Uncertain significance (2). Last evaluated 2025-03-20.

Allele frequency attached by ClinVar (database versions not stated): gnomAD exomes 0.00001; TOPMed 0.00001; ExAC 0.00002.
gnomAD v4.1: 39 of 1,613,162 alleles (0.0024%); highest among the groups gnomAD compares: Non-Finnish European, 0.0028%; no homozygotes.

Submissions (2):

Ambry Genetics
Classification: Uncertain significance. Last evaluated: 2025-03-20. Review status: criteria provided, single submitter. Criteria: Ambry Variant Classification Scheme 2023. Collection method: clinical testing. Allele origin: germline.

Labcorp Genetics (formerly Invitae), Labcorp
Classification: Uncertain significance. Last evaluated: 2021-08-07. Review status: criteria provided, single submitter. Criteria: Invitae Variant Classification Sherloc (09022015). Collection method: clinical testing. Allele origin: germline.
Comment: This sequence change replaces arginine with cysteine at codon 174 of the C2 protein (p.Arg174Cys). The arginine residue is weakly conserved and there is a large physicochemical difference between arginine and cysteine. This variant is present in population databases (rs768293464, ExAC 0.01%). This variant has not been reported in the literature in individuals affected with C2-related conditions. Algorithms developed to predict the effect of missense changes on protein structure and function are either unavailable or do not agree on the potential impact of this missense change (SIFT: "Deleterious"; PolyPhen-2: "Possibly Damaging"; Align-GVGD: "Class C15"). In summary, the available evidence is currently insufficient to determine the role of this variant in disease. Therefore, it has been classified as a Variant of Uncertain Significance.

NM_000063.6(C2):c.520C>T (p.Arg174Cys)

Gene: C2 (complement C2; plus strand). Cytogenetic location: 6p21.33.
Variant type: single nucleotide variant.
Coding change: c.520C>T on transcript NM_000063.6 (MANE Select); coding-DNA position 520, C replaced by T.
Protein change: p.Arg174Cys; replaces arginine 174 with cysteine.
Molecular consequence: missense variant. On other transcripts: synonymous variant (1).
Genome position (GRCh38, 1-based): chr6:31,933,687, C>T. VCF-style: chr6-31933687-C-T. GRCh37 (hg19) VCF-style: chr6-31901464-C-T.
Other names: c.124C>T, p.Arg42Cys (NM_001145903.3); c.151C>T, p.Arg51Cys (NM_001178063.3); c.15C>T, p.Ser5= (NM_001282457.2); c.433C>T, p.Arg145Cys (NM_001282458.2); c.520C>T, p.Arg174Cys (NM_001282459.2); c.520C>T (NM_000063.4); short protein forms R145C, R51C, R174C, R42C.
Identifiers: ClinVar variation 1486061 (VCV001486061.7), dbSNP rs768293464, ClinGen allele CA3727417.